The following is an entry in ClinVar:

NM_032043.3(BRIP1):c.1382A>G (p.Tyr461Cys)

Gene: BRIP1 (BRCA1 interacting DNA helicase 1; minus strand). Cytogenetic location: 17q23.2.
Variant type: single nucleotide variant.
Coding change: c.1382A>G on transcript NM_032043.3 (MANE Select); coding-DNA position 1382, A replaced by G.
Protein change: p.Tyr461Cys; replaces tyrosine 461 with cysteine.
Molecular consequence: missense variant.
Genome position (GRCh38, 1-based): chr17:61,793,688, T>C on the plus strand (A>G on the coding strand, the complement: BRIP1 is on the minus strand). VCF-style: chr17-61793688-T-C. GRCh37 (hg19) VCF-style: chr17-59871049-T-C.
Other names: short protein forms Y461C.
Identifiers: ClinVar variation 2946566 (VCV002946566.3), dbSNP rs2545107616, ClinGen allele CA400482236.

ClinVar aggregate classification (germline): Uncertain significance (1 of 4 stars; one submission).

Conditions:
Fanconi anemia complementation group J. Also called: BRIP1-Related Fanconi Anemia. Identifiers: Orphanet 84, MedGen C1836860, MONDO:0012187, OMIM 609054.
Familial cancer of breast. Also called: BREAST CANCER, FAMILIAL; Hereditary breast cancer; hereditary breast carcinoma. Identifiers: Orphanet 227535, MedGen C0346153, MONDO:0016419, OMIM 114480. Disease mechanism: loss of function.

Submission:

Labcorp Genetics (formerly Invitae), Labcorp
Classification: Uncertain significance for Familial cancer of breast; Fanconi anemia complementation group J. Last evaluated: 2023-12-18. Review status: criteria provided, single submitter. Criteria: Invitae Variant Classification Sherloc (09022015). Collection method: clinical testing. Allele origin: germline.
Comment: This sequence change replaces tyrosine, which is neutral and polar, with cysteine, which is neutral and slightly polar, at codon 461 of the BRIP1 protein (p.Tyr461Cys). This variant is not present in population databases (gnomAD no frequency). This variant has not been reported in the literature in individuals affected with BRIP1-related conditions. Advanced modeling of protein sequence and biophysical properties (such as structural, functional, and spatial information, amino acid conservation, physicochemical variation, residue mobility, and thermodynamic stability) performed at Invitae indicates that this missense variant is expected to disrupt BRIP1 protein function with a positive predictive value of 80%. In summary, the available evidence is currently insufficient to determine the role of this variant in disease. Therefore, it has been classified as a Variant of Uncertain Significance.